The following is an entry in ClinVar:

NM_001374736.1(DST):c.18008G>A (p.Trp6003Ter)

Gene: DST (dystonin; minus strand). Cytogenetic location: 6p12.1.
Variant type: single nucleotide variant.
Coding change: c.18008G>A on transcript NM_001374736.1 (MANE Select); coding-DNA position 18008, G replaced by A.
Protein change: p.Trp6003Ter; replaces tryptophan 6003 with a stop codon.
Molecular consequence: nonsense.
Genome position (GRCh38, 1-based): chr6:56,526,482, C>T on the plus strand (G>A on the coding strand, the complement: DST is on the minus strand). VCF-style: chr6-56526482-C-T. GRCh37 (hg19) VCF-style: chr6-56391280-C-T.
Other names: c.11651G>A, p.Trp3884Ter (NM_001144769.5); c.11237G>A, p.Trp3746Ter (NM_001144770.2); c.18008G>A, p.Trp6003Ter (NM_001374722.1); c.17048G>A, p.Trp5683Ter (NM_001374729.1); c.10790G>A, p.Trp3597Ter (NM_001374730.1); c.18035G>A, p.Trp6012Ter (NM_001374734.1); c.10139G>A, p.Trp3380Ter (NM_015548.5); c.11117G>A, p.Trp3706Ter (NM_183380.4); short protein forms W3597*, W3884*, W5683*, W6003*, W3746*, W6012*, W3380*, W3706*.
Identifiers: ClinVar variation 967559 (VCV000967559.8), dbSNP rs2096799052, ClinGen allele CA364505830.

ClinVar aggregate classification (germline): Pathogenic (1 of 4 stars; one submission).

Conditions:
Hereditary sensory and autonomic neuropathy type 6. Also called: Neuropathy, hereditary sensory and autonomic, type VI; HSAN VI. Identifiers: Orphanet 314381, MedGen C3539003, MONDO:0013839, OMIM 614653.
Epidermolysis bullosa simplex 3, localized or generalized intermediate, with BP230 deficiency (EBS3). Also called: Epidermolysis bullosa simplex, autosomal recessive 2; Epidermolysis bullosa simplex due to BP230 deficiency. Identifiers: Orphanet 412181, MedGen C3809470, MONDO:0014180, OMIM 615425.

Allele frequency attached by ClinVar (database versions not stated): gnomAD exomes below 0.00001.
gnomAD v4.1: 1 of 1,613,888 alleles (0.000062%); highest among the groups gnomAD compares: Non-Finnish European, 0.000085%; no homozygotes.

Submission:

Labcorp Genetics (formerly Invitae), Labcorp
Classification: Pathogenic for Epidermolysis bullosa simplex 3, localized or generalized intermediate, with BP230 deficiency; Hereditary sensory and autonomic neuropathy type 6. Last evaluated: 2019-12-11. Review status: criteria provided, single submitter. Criteria: Invitae Variant Classification Sherloc (09022015). Collection method: clinical testing. Allele origin: germline.
Comment: While this particular variant has not been reported in the literature, loss-of-function variants in DST are known to be pathogenic (PMID: 22522446, 25059916). For these reasons, this variant has been classified as Pathogenic. Algorithms developed to predict the effect of sequence changes on RNA splicing suggest that this variant may create or strengthen a splice site, but this prediction has not been confirmed by published transcriptional studies. This variant has not been reported in the literature in individuals with DST-related conditions. This variant is not present in population databases (ExAC no frequency). This sequence change creates a premature translational stop signal (p.Trp3380*) in the DST gene. It is expected to result in an absent or disrupted protein product. The DST gene has multiple clinically relevant transcripts. This variant occurs in alternate transcript NM_015548.4, and corresponds to NM_001723.5:c.*89035G>A in the primary transcript.

Literature cited by the submitters: PubMed 22522446; PubMed 25059916.